The following is an entry in ClinVar:

ClinVar aggregate classification (germline): Uncertain significance (1 of 4 stars; one submission).

Submission:

Women's Health and Genetics/Laboratory Corporation of America, LabCorp
Classification: Uncertain significance. Last evaluated: 2026-03-11. Review status: criteria provided, single submitter. Criteria: LabCorp Variant Classification Summary - May 2015. Collection method: clinical testing. Allele origin: germline.
Comment: Variant summary: TFAP2B c.545T>C (p.Val182Ala) results in a non-conservative amino acid change in the encoded protein sequence. Algorithms developed to predict the effect of missense changes on protein structure and function are either unavailable or do not agree on the potential impact of this missense change. The variant was absent in 251348 control chromosomes. The available data on variant occurrences in the general population are insufficient to allow any conclusion about variant significance. To our knowledge, no occurrence of c.545T>C in individuals affected with TFAP2B-related conditions and no experimental evidence demonstrating its impact on protein function have been reported. ClinVar contains an entry for this variant (Variation ID: 2581660). Based on the evidence outlined above, the variant was classified as uncertain significance.

NM_003221.4(TFAP2B):c.545T>C (p.Val182Ala)

Gene: TFAP2B (transcription factor AP-2 beta; plus strand). Cytogenetic location: 6p12.3.
Variant type: single nucleotide variant.
Coding change: c.545T>C on transcript NM_003221.4 (MANE Select); coding-DNA position 545, T replaced by C.
Protein change: p.Val182Ala; replaces valine 182 with alanine.
Molecular consequence: missense variant.
Genome position (GRCh38, 1-based): chr6:50,828,623, T>C. VCF-style: chr6-50828623-T-C. GRCh37 (hg19) VCF-style: chr6-50796336-T-C.
Other names: short protein forms V182A.
Identifiers: ClinVar variation 2581660 (VCV002581660.2), dbSNP rs2533123544, ClinGen allele CA364413754.